The following is an entry in ClinVar:

ClinVar aggregate classification (germline): Uncertain significance (1 of 4 stars; one submission).

Allele frequency attached by ClinVar (database versions not stated): gnomAD exomes below 0.00001; TOPMed below 0.00001.
gnomAD v4.1: 1 of 1,608,904 alleles (0.000062%); highest among the groups gnomAD compares: Non-Finnish European, 0.000085%; no homozygotes.

Submission:

Labcorp Genetics (formerly Invitae), Labcorp
Classification: Uncertain significance. Last evaluated: 2021-10-24. Review status: criteria provided, single submitter. Criteria: Invitae Variant Classification Sherloc (09022015). Collection method: clinical testing. Allele origin: germline.
Comment: In summary, the available evidence is currently insufficient to determine the role of this variant in disease. Therefore, it has been classified as a Variant of Uncertain Significance. Advanced modeling of protein sequence and biophysical properties (such as structural, functional, and spatial information, amino acid conservation, physicochemical variation, residue mobility, and thermodynamic stability) performed at Invitae indicates that this missense variant is not expected to disrupt CACNA1E protein function. This variant has not been reported in the literature in individuals affected with CACNA1E-related conditions. This variant is not present in population databases (ExAC no frequency). This sequence change replaces glutamic acid with aspartic acid at codon 1110 of the CACNA1E protein (p.Glu1110Asp). The glutamic acid residue is moderately conserved and there is a small physicochemical difference between glutamic acid and aspartic acid.

NM_001205293.3(CACNA1E):c.3330G>T (p.Glu1110Asp)

Gene: CACNA1E (calcium voltage-gated channel subunit alpha1 E; plus strand). Cytogenetic location: 1q25.3.
Variant type: single nucleotide variant.
Coding change: c.3330G>T on transcript NM_001205293.3 (MANE Select); coding-DNA position 3330, G replaced by T.
Protein change: p.Glu1110Asp; replaces glutamic acid 1110 with aspartic acid.
Molecular consequence: missense variant.
Genome position (GRCh38, 1-based): chr1:181,736,342, G>T. VCF-style: chr1-181736342-G-T. GRCh37 (hg19) VCF-style: chr1-181705478-G-T.
Other names: c.3330G>T, p.Glu1110Asp (NM_000721.4); c.3273G>T, p.Glu1091Asp (NM_001205294.2); short protein forms E1091D, E1110D.
Identifiers: ClinVar variation 1423719 (VCV001423719.6), dbSNP rs1656028708, ClinGen allele CA343621574.